The following is an entry in ClinVar:

NM_015378.4(VPS13D):c.168C>G (p.Val56=)

Gene: VPS13D (vacuolar protein sorting 13 homolog D; plus strand). Cytogenetic location: 1p36.22.
Variant type: single nucleotide variant.
Coding change: c.168C>G on transcript NM_015378.4 (MANE Select); coding-DNA position 168, C replaced by G.
Protein change: p.Val56=; no amino-acid change (valine 56 retained).
Molecular consequence: synonymous variant.
Genome position (GRCh38, 1-based): chr1:12,242,583, C>G. VCF-style: chr1-12242583-C-G. GRCh37 (hg19) VCF-style: chr1-12302640-C-G.
Other names: p.Val56=; c.168C>G, p.Val56= (NM_018156.4); c.168C>G (NM_015378.3).
Identifiers: ClinVar variation 1672740 (VCV001672740.40), dbSNP rs375130709, ClinGen allele CA601133.

ClinVar aggregate classification (germline): Likely benign. Review status: criteria provided, multiple submitters, no conflicts (2 of 4 stars). 5 submissions from 5 submitters: Likely benign (4). 1 of the submissions does not count toward it. Last evaluated 2025-12-24.

Conditions:
VPS13D-related disorder. Also called: VPS13D-related condition.

Allele frequency attached by ClinVar (database versions not stated): ExAC 0.00013; gnomAD exomes 0.00021 and 0.00075; gnomAD 0.00036 and 0.00039; TOPMed 0.00037; ESP Exome Variant Server 0.00038.
gnomAD v4.1: 1,147 of 1,613,750 alleles (0.071%); highest among the groups gnomAD compares: Non-Finnish European, 0.092%; no homozygotes.

Submissions (7):

Labcorp Genetics (formerly Invitae), Labcorp
Classification: Likely benign. Last evaluated: 2025-12-24. Review status: criteria provided, single submitter. Criteria: Invitae Variant Classification Sherloc (09022015). Collection method: clinical testing. Allele origin: germline.

Mayo Clinic Laboratories, Mayo Clinic
Classification: Likely benign. Last evaluated: 2024-12-10. Review status: criteria provided, single submitter. Criteria: ACMG Guidelines, 2015. Collection method: clinical testing. Allele origin: germline. Observed: 3 variant alleles.
Comment: BP4, BP7

Blueprint Genetics
Classification: Likely benign. Last evaluated: 2024-09-18. Review status: criteria provided, single submitter. Criteria: ACMG Guidelines, 2015. Collection method: clinical testing. Allele origin: germline.

CeGaT Center for Human Genetics Tuebingen
Classification: Likely benign. Last evaluated: 2023-03-01. Review status: criteria provided, single submitter. Criteria: CeGaT Center For Human Genetics Tuebingen Variant Classification Criteria Version 2. Collection method: clinical testing. Allele origin: germline. Affected: yes. Observed: 3 variant alleles.
Comment: VPS13D: BP4, BP7

PreventionGenetics, part of Exact Sciences
Classification: Likely benign for VPS13D-related condition. Last evaluated: 2019-03-29. Review status: no assertion criteria provided. Collection method: clinical testing. Allele origin: germline. Not counted in ClinVar's aggregate classification.
Comment: This variant is classified as likely benign based on ACMG/AMP sequence variant interpretation guidelines (Richards et al. 2015 PMID: 25741868, with internal and published modifications).

Dr. Peter K. Rogan Lab, Western University
No classification provided (evidence only). Condition: Acute myeloid leukemia. Review status: no classification provided. Collection method: in vitro. Allele origin: not applicable. Functional consequence: retained intron. Not counted in ClinVar's aggregate classification.

Dr. Peter K. Rogan Lab, Western University
No classification provided (evidence only). Condition: Cervical cancer. Review status: no classification provided. Collection method: in vitro. Allele origin: not applicable. Functional consequence: retained intron. Not counted in ClinVar's aggregate classification.